The following is an entry in ClinVar:

ClinVar aggregate classification (germline): Conflicting classifications of pathogenicity. Review status: criteria provided, conflicting classifications (1 of 4 stars). 4 submissions from 4 submitters: Uncertain significance (3); Likely benign (1). Last evaluated 2024-11-25.

Conditions:
Inborn genetic diseases. Identifiers: MedGen C0950123, MeSH D030342.

Allele frequency attached by ClinVar (database versions not stated): gnomAD exomes 0.00003 and 0.00009; gnomAD 0.00009 and 0.00010; ExAC 0.00011; TOPMed 0.00021; ESP Exome Variant Server 0.00031.
gnomAD v4.1: 61 of 1,613,460 alleles (0.0038%); highest among the groups gnomAD compares: Middle Eastern, 0.033%; no homozygotes.

Submissions (4):

Labcorp Genetics (formerly Invitae), Labcorp
Classification: Uncertain significance. Last evaluated: 2024-11-25. Review status: criteria provided, single submitter. Criteria: Invitae Variant Classification Sherloc (09022015). Collection method: clinical testing. Allele origin: germline.
Comment: This sequence change replaces glycine, which is neutral and non-polar, with valine, which is neutral and non-polar, at codon 967 of the RBP3 protein (p.Gly967Val). This variant is present in population databases (rs141409712, gnomAD 0.04%). This variant has not been reported in the literature in individuals affected with RBP3-related conditions. ClinVar contains an entry for this variant (Variation ID: 862311). Invitae Evidence Modeling of protein sequence and biophysical properties (such as structural, functional, and spatial information, amino acid conservation, physicochemical variation, residue mobility, and thermodynamic stability) indicates that this missense variant is not expected to disrupt RBP3 protein function with a negative predictive value of 80%. In summary, the available evidence is currently insufficient to determine the role of this variant in disease. Therefore, it has been classified as a Variant of Uncertain Significance.

Ambry Genetics
Classification: Uncertain significance for Inborn genetic diseases. Last evaluated: 2024-08-12. Review status: criteria provided, single submitter. Criteria: Ambry Variant Classification Scheme 2023. Collection method: clinical testing. Allele origin: germline.

Blueprint Genetics
Classification: Likely benign. Last evaluated: 2023-12-15. Review status: criteria provided, single submitter. Criteria: ACMG Guidelines, 2015. Collection method: clinical testing. Allele origin: germline.

Breakthrough Genomics
Classification: Uncertain significance. Review status: criteria provided, single submitter. Criteria: ACMG Guidelines, 2015. Collection method: not provided. Allele origin: germline. Inheritance: Autosomal recessive inheritance. Affected: yes.

NM_002900.3(RBP3):c.2900G>T (p.Gly967Val)

Gene: RBP3 (retinol binding protein 3; plus strand). Cytogenetic location: 10q11.22.
Variant type: single nucleotide variant.
Coding change: c.2900G>T on transcript NM_002900.3 (MANE Select); coding-DNA position 2900, G replaced by T.
Protein change: p.Gly967Val; replaces glycine 967 with valine.
Molecular consequence: missense variant.
Genome position (GRCh38, 1-based): chr10:47,351,384, G>T. VCF-style: chr10-47351384-G-T. GRCh37 (hg19) VCF-style: chr10-48387978-C-A.
Other names: short protein forms G967V.
Identifiers: ClinVar variation 862311 (VCV000862311.10), dbSNP rs141409712, ClinGen allele CA5487180.